The following is an entry in ClinVar:

NM_025137.4(SPG11):c.4435-2A>G

Gene: SPG11 (SPG11 vesicle trafficking associated, spatacsin; minus strand). Cytogenetic location: 15q21.1.
Variant type: single nucleotide variant.
Coding change: c.4435-2A>G on transcript NM_025137.4 (MANE Select); the canonical splice acceptor site of the intron before coding-DNA position 4435, A replaced by G.
Molecular consequence: splice acceptor variant.
Genome position (GRCh38, 1-based): chr15:44,595,461, T>C on the plus strand (A>G on the coding strand, the complement: SPG11 is on the minus strand). VCF-style: chr15-44595461-T-C. GRCh37 (hg19) VCF-style: chr15-44887659-T-C.
Other names: c.4435-2A>G (NM_001411132.1, NM_001160227.2).
Identifiers: ClinVar variation 664569 (VCV000664569.7), dbSNP rs1555450825, ClinGen allele CA392227029.

ClinVar aggregate classification (germline): Pathogenic (1 of 4 stars; one submission).

Conditions:
Hereditary spastic paraplegia 11. Also called: Spastic paraplegia, mental retardation and thin corpus callosum; Nakamura Osame syndrome; Autosomal recessive hereditary spastic paraplegia, mental impairment, and thin corpus callosum; SPASTIC PARAPLEGIA, AUTOSOMAL RECESSIVE, COMPLICATED, WITH THIN CORPUS CALLOSUM; SPASTIC PARAPLEGIA, AUTOSOMAL RECESSIVE, WITH MENTAL IMPAIRMENT AND THIN CORPUS CALLOSUM; Spastic Paraplegia 11. Identifiers: Orphanet 2822, MedGen C1858479, MONDO:0011445, OMIM 604360.

Allele frequency attached by ClinVar (database versions not stated): gnomAD exomes below 0.00001.
gnomAD v4.1: 2 of 1,614,022 alleles (0.00012%); highest among the groups gnomAD compares: Non-Finnish European, 0.00017%; no homozygotes.

Submission:

Labcorp Genetics (formerly Invitae), Labcorp
Classification: Pathogenic for Hereditary spastic paraplegia 11. Last evaluated: 2023-06-12. Review status: criteria provided, single submitter. Criteria: Invitae Variant Classification Sherloc (09022015). Collection method: clinical testing. Allele origin: germline.
Comment: For these reasons, this variant has been classified as Pathogenic. Algorithms developed to predict the effect of sequence changes on RNA splicing suggest that this variant may disrupt the consensus splice site. ClinVar contains an entry for this variant (Variation ID: 664569). Disruption of this splice site has been observed in individuals with hereditary spastic paraplegia (PMID: 21625935, 29691679). This variant is not present in population databases (gnomAD no frequency). This sequence change affects an acceptor splice site in intron 25 of the SPG11 gene. It is expected to disrupt RNA splicing. Variants that disrupt the donor or acceptor splice site typically lead to a loss of protein function (PMID: 16199547), and loss-of-function variants in SPG11 are known to be pathogenic (PMID: 19105190, 20110243, 22154821, 26556829).

Literature cited by the submitters: PubMed 21625935; PubMed 29691679; PubMed 16199547; PubMed 19105190; PubMed 20110243; PubMed 22154821; PubMed 26556829.